The following is an entry in ClinVar:

NM_020884.7(MYH7B):c.4995C>G (p.Asp1665Glu)

Gene: MYH7B (myosin heavy chain 7B; plus strand). Cytogenetic location: 20q11.22.
Variant type: single nucleotide variant.
Coding change: c.4995C>G on transcript NM_020884.7 (MANE Select); coding-DNA position 4995, C replaced by G.
Protein change: p.Asp1665Glu; replaces aspartic acid 1665 with glutamic acid.
Molecular consequence: missense variant.
Genome position (GRCh38, 1-based): chr20:35,000,506, C>G. VCF-style: chr20-35000506-C-G. GRCh37 (hg19) VCF-style: chr20-33588309-C-G.
Other names: c.5121C>G (NM_020884.4); short protein forms D1665E.
Identifiers: ClinVar variation 2274963 (VCV002274963.6), dbSNP rs148157021, ClinGen allele CA9828395.

ClinVar aggregate classification (germline): Uncertain significance. Review status: criteria provided, multiple submitters, no conflicts (2 of 4 stars). 3 submissions from 3 submitters: Uncertain significance (3). Last evaluated 2025-11-26.

Conditions:
MYH7B-related disorder. Also called: MYH7B-related condition.

gnomAD v4.1: 32 of 1,596,770 alleles (0.002%); highest among the groups gnomAD compares: African/African-American, 0.039%; no homozygotes.

Submissions (3):

Ambry Genetics
Classification: Uncertain significance. Last evaluated: 2025-11-26. Review status: criteria provided, single submitter. Criteria: Ambry Variant Classification Scheme 2023. Collection method: clinical testing. Allele origin: germline.

PreventionGenetics, part of Exact Sciences
Classification: Uncertain significance for MYH7B-related condition. Last evaluated: 2025-09-10. Review status: criteria provided, single submitter. Criteria: ACMG Guidelines, 2015. Collection method: clinical testing. Allele origin: germline.
Comment: The MYH7B c.5121C>G variant is predicted to result in the amino acid substitution p.Asp1707Glu. To our knowledge, this variant has not been reported in the literature. This variant is reported in 0.054% of alleles in individuals of African descent in gnomAD. Although we suspect that this variant may be benign, at this time, the clinical significance of this variant is uncertain due to the absence of conclusive functional and genetic evidence.

Labcorp Genetics (formerly Invitae), Labcorp
Classification: Uncertain significance. Last evaluated: 2025-01-07. Review status: criteria provided, single submitter. Criteria: Invitae Variant Classification Sherloc (09022015). Collection method: clinical testing. Allele origin: germline.
Comment: This sequence change replaces aspartic acid, which is acidic and polar, with glutamic acid, which is acidic and polar, at codon 1707 of the MYH7B protein (p.Asp1707Glu). This variant is present in population databases (rs148157021, gnomAD 0.05%). This variant has not been reported in the literature in individuals affected with MYH7B-related conditions. ClinVar contains an entry for this variant (Variation ID: 2274963). Invitae Evidence Modeling of protein sequence and biophysical properties (such as structural, functional, and spatial information, amino acid conservation, physicochemical variation, residue mobility, and thermodynamic stability) indicates that this missense variant is not expected to disrupt MYH7B protein function with a negative predictive value of 80%. In summary, the available evidence is currently insufficient to determine the role of this variant in disease. Therefore, it has been classified as a Variant of Uncertain Significance.